The following is an entry in ClinVar:

NM_001291303.3(FAT4):c.9282C>T (p.Ser3094=)

Gene: FAT4 (FAT atypical cadherin 4; plus strand). Cytogenetic location: 4q28.1.
Variant type: single nucleotide variant.
Coding change: c.9282C>T on transcript NM_001291303.3 (MANE Select); coding-DNA position 9282, C replaced by T.
Protein change: p.Ser3094=; no amino-acid change (serine 3094 retained).
Molecular consequence: synonymous variant.
Genome position (GRCh38, 1-based): chr4:125,450,292, C>T. VCF-style: chr4-125450292-C-T. GRCh37 (hg19) VCF-style: chr4-126371447-C-T.
Other names: c.9276C>T (NM_024582.4); c.9282C>T, p.Ser3094= (NM_001291285.3); c.9276C>T, p.Ser3092= (NM_024582.6).
Identifiers: ClinVar variation 1620860 (VCV001620860.10), dbSNP rs773285768, ClinGen allele CA3073498.
Genomic context (GRCh38, chr4:125,450,292, plus strand): 5'-AGCAACTGTTCACATAACTGTCACTGAGGAAAACTACCATACACCTGAATTCTCTCAAAG[C>T]CACATGAGTGCAACCATCCCTGAGAGCCATAGCATTGGGTCCATTGTCAGAACTGTTTCT-3'
Protein context (NP_001278232.1, residues 3084-3104): ENYHTPEFSQ[Ser3094=]HMSATIPESH

ClinVar aggregate classification (germline): Likely benign. Review status: criteria provided, single submitter (1 of 4 stars). 2 submissions from 2 submitters: Likely benign (1). 1 of the submissions does not count toward it. Last evaluated 2025-05-05.

Conditions:
FAT4-related disorder. Also called: FAT4-related condition.

Allele frequency attached by ClinVar (database versions not stated): gnomAD 0.00001; gnomAD exomes 0.00003 and 0.00009; ExAC 0.00011.
gnomAD v4.1: 40 of 1,614,072 alleles (0.0025%); highest among the groups gnomAD compares: South Asian, 0.044%; no homozygotes.

Submissions (2):

Labcorp Genetics (formerly Invitae), Labcorp
Classification: Likely benign. Last evaluated: 2025-05-05. Review status: criteria provided, single submitter. Criteria: Invitae Variant Classification Sherloc (09022015). Collection method: clinical testing. Allele origin: germline.

PreventionGenetics, part of Exact Sciences
Classification: Likely benign for FAT4-related condition. Last evaluated: 2020-03-03. Review status: no assertion criteria provided. Collection method: clinical testing. Allele origin: germline. Not counted in ClinVar's aggregate classification.
Comment: This variant is classified as likely benign based on ACMG/AMP sequence variant interpretation guidelines (Richards et al. 2015 PMID: 25741868, with internal and published modifications).